The following is an entry in ClinVar:

ClinVar aggregate classification (germline): Uncertain significance (1 of 4 stars; one submission).

Submission:

GeneDx
Classification: Uncertain significance. Last evaluated: 2024-05-12. Review status: criteria provided, single submitter. Criteria: GeneDx Variant Classification Process June 2021. Collection method: clinical testing. Allele origin: germline. Affected: yes.
Comment: Not observed at significant frequency in large population cohorts (gnomAD); In silico analysis supports that this missense variant has a deleterious effect on protein structure/function; Has not been previously published as pathogenic or benign to our knowledge

NM_001164508.2(NEB):c.18902A>C (p.Lys6301Thr)

Gene: NEB (nebulin; minus strand). Cytogenetic location: 2q23.3.
Variant type: single nucleotide variant.
Coding change: c.18902A>C on transcript NM_001164508.2 (MANE Select); coding-DNA position 18902, A replaced by C.
Protein change: p.Lys6301Thr; replaces lysine 6301 with threonine.
Molecular consequence: missense variant.
Genome position (GRCh38, 1-based): chr2:151,562,204, T>G on the plus strand (A>C on the coding strand, the complement: NEB is on the minus strand). VCF-style: chr2-151562204-T-G. GRCh37 (hg19) VCF-style: chr2-152418718-T-G.
Other names: c.18902A>C, p.Lys6301Thr (NM_001164507.2, NM_001271208.2); c.13799A>C, p.Lys4600Thr (NM_004543.5); short protein forms K4600T, K6301T.
Identifiers: ClinVar variation 3378187 (VCV003378187.1).